The following is an entry in ClinVar:

NM_000507.4(FBP1):c.611_614del (p.Lys204fs)

Gene: FBP1 (fructose-bisphosphatase 1; minus strand). Cytogenetic location: 9q22.32.
Variant type: Deletion.
Coding change: c.611_614del on transcript NM_000507.4 (MANE Select); coding-DNA positions 611 to 614, 4 bases deleted (AAAA; older notation c.611_614delAAAA).
Protein change: p.Lys204fs; shifts the reading frame from lysine 204.
Molecular consequence: frameshift variant.
Genome position (GRCh38, 1-based): chr9:94,606,906-94,606,909, TTTT deleted on the plus strand (AAAA on the coding strand, the reverse complement: FBP1 is on the minus strand); deleting any 4 consecutive bases within chr9:94,606,906-94,606,911 gives the same sequence; the c. name uses the placement nearest the transcript's 3' end. VCF-style (leftmost placement, unchanged base first): chr9-94606905-CTTTT-C. GRCh37 (hg19) VCF-style: chr9-97369187-CTTTT-C.
Other names: c.611_614delAAAA (NM_001127628.1); c.611_614del, p.Lys204fs (NM_001127628.2); short protein forms K204fs.
Identifiers: ClinVar variation 561985 (VCV000561985.11), dbSNP rs761470205, ClinGen allele CA5136177.
Genomic context (GRCh38, chr9:94,606,905, plus strand): 5'-AGTGACGGCAGGGTCAAAGTCCCTGGCGTAGCCCTCGTTAAGGCTGTAGATTTTACCTTT[CTTTT>C]TTATCTTCACATCCTTGTCCACCAAAATGAACTCCCCGATGGCCTTTTTAGACAAGGAAG-3'

ClinVar aggregate classification (germline): Pathogenic/Likely pathogenic. Review status: criteria provided, multiple submitters, no conflicts (2 of 4 stars). 5 submissions from 5 submitters: Pathogenic (4); Likely pathogenic (1). Last evaluated 2023-09-26.

Conditions:
Fructose-biphosphatase deficiency (FBP1D). Also called: Fructose-1,6-Bisphosphatase 1 Deficiency; Fructose 1,6 Bisphosphatase Deficiency; Fructose-1,6-Diphosphatase Deficiency. Identifiers: Orphanet 348, MedGen C0016756, MONDO:0009251, OMIM 229700.

Submissions (5):

Labcorp Genetics (formerly Invitae), Labcorp
Classification: Pathogenic for Fructose-biphosphatase deficiency. Last evaluated: 2023-09-26. Review status: criteria provided, single submitter. Criteria: Invitae Variant Classification Sherloc (09022015). Collection method: clinical testing. Allele origin: germline.
Comment: This sequence change creates a premature translational stop signal (p.Lys204Argfs*72) in the FBP1 gene. While this is not anticipated to result in nonsense mediated decay, it is expected to disrupt the last 135 amino acid(s) of the FBP1 protein. This variant is present in population databases (rs761470205, gnomAD 0.006%). This premature translational stop signal has been observed in individual(s) with fructose-1,6-bisphosphatase deficiency (PMID: 29016355, 29992913, 33999094). In at least one individual the data is consistent with being in trans (on the opposite chromosome) from a pathogenic variant. This variant is also known as c.609_612 delAAAA. ClinVar contains an entry for this variant (Variation ID: 561985). For these reasons, this variant has been classified as Pathogenic.

Neuberg Centre For Genomic Medicine, NCGM
Classification: Pathogenic for Fructose-biphosphatase deficiency. Last evaluated: 2023-06-22. Review status: criteria provided, single submitter. Criteria: ACMG Guidelines, 2015. Collection method: clinical testing. Allele origin: germline. Inheritance: Autosomal recessive inheritance. Affected: yes.
Comment: The observed frameshift c.611_614delp.Lys204ArgfsTer72 variant in FBP1 gene has been reported in homozygous/ compound heterozygous state in individuals affected with FBP1 related disorder Ijaz S, et. al., 2017; Sharma AG,et. al., 2018; Pinheiro FC, et. al., 2021. This variant is present with an allele frequency of 0.0008% in gnomAD Exomes database. This variant has been reported to the ClinVar database as Likely pathogenic/ Pathogenic. This variant causes a frameshift starting with codon Lysine 204, changes this amino acid to Arginine residue, and creates a premature Stop codon at position 72 of the new reading frame, denoted p.Lys204ArgfsTer72. This variant is predicted to cause loss of normal protein function through protein truncation. Loss of function variants have been previously reported to be disease causing. For these reasons, this variant has been classified as Pathogenic.

Mendelics
Classification: Pathogenic for Fructose-biphosphatase deficiency. Last evaluated: 2019-05-28. Review status: criteria provided, single submitter. Criteria: Mendelics Assertion Criteria 2017. Collection method: clinical testing. Allele origin: unknown.

Eurofins Ntd Llc (ga)
Classification: Pathogenic. Last evaluated: 2018-01-11. Review status: criteria provided, single submitter. Criteria: EGL Classification Definitions 2015. Collection method: clinical testing. Allele origin: germline.

Institute of Medical Genetics and Genomics, Sir Ganga Ram Hospital
Classification: Likely pathogenic for Fructose-biphosphatase deficiency. Last evaluated: 2012-08-14. Review status: criteria provided, single submitter. Criteria: Submitterâ€™s publication. Collection method: clinical testing. Allele origin: inherited. Affected: yes. Observed: 1 variant allele.

Literature cited by the submitters: PubMed 29016355 (cited by Labcorp Genetics (formerly Invitae), Labcorp); PubMed 29992913 (cited by Labcorp Genetics (formerly Invitae), Labcorp); PubMed 33999094 (cited by Labcorp Genetics (formerly Invitae), Labcorp).